The following is an entry in ClinVar:

ClinVar aggregate classification (germline): Uncertain significance. Review status: criteria provided, multiple submitters, no conflicts (2 of 4 stars). 3 submissions from 3 submitters: Uncertain significance (3). Last evaluated 2024-08-06.

Conditions:
Hereditary pheochromocytoma and paraganglioma. Also called: Hereditary pheochromocytoma-paraganglioma; Hereditary paragangliomas and pheochromocytomas; Hereditary Paraganglioma-Pheochromocytoma Syndromes. Identifiers: Orphanet 29072, MedGen C4274332, MONDO:0017366.
Hereditary cancer-predisposing syndrome. Also called: Hereditary Cancer Syndrome; Tumor predisposition; Neoplastic Syndromes, Hereditary; Hereditary neoplastic syndrome. Identifiers: Orphanet 140162, MedGen C0027672, MeSH D009386, MONDO:0015356.

Allele frequency attached by ClinVar (database versions not stated): TOPMed below 0.00001; gnomAD 0.00001; ExAC 0.00003.

Submissions (3):

All of Us Research Program, National Institutes of Health
Classification: Uncertain significance for Hereditary pheochromocytoma and paraganglioma. Last evaluated: 2024-08-06. Review status: criteria provided, single submitter. Criteria: ACMG Guidelines, 2015. Collection method: clinical testing. Allele origin: germline. Inheritance: Autosomal dominant inheritance. Observed: 1 variant allele, 1 heterozygote.
Comment: This study involves interpretation of variants in research participants for the purpose of population health screening. Participant phenotype was not available at the time of variant classification. Additional details can be found in publication PMID: 35346344, PMCID: PMC8962531

Labcorp Genetics (formerly Invitae), Labcorp
Classification: Uncertain significance for Hereditary pheochromocytoma and paraganglioma. Last evaluated: 2024-05-28. Review status: criteria provided, single submitter. Criteria: Invitae Variant Classification Sherloc (09022015). Collection method: clinical testing. Allele origin: germline.
Comment: This sequence change replaces arginine, which is basic and polar, with threonine, which is neutral and polar, at codon 77 of the SDHAF2 protein (p.Arg77Thr). This variant is present in population databases (rs755511528, gnomAD 0.004%). This variant has not been reported in the literature in individuals affected with SDHAF2-related conditions. ClinVar contains an entry for this variant (Variation ID: 821071). An algorithm developed to predict the effect of missense changes on protein structure and function (PolyPhen-2) suggests that this variant is likely to be disruptive. In summary, the available evidence is currently insufficient to determine the role of this variant in disease. Therefore, it has been classified as a Variant of Uncertain Significance.

Ambry Genetics
Classification: Uncertain significance for Hereditary cancer-predisposing syndrome. Last evaluated: 2023-09-21. Review status: criteria provided, single submitter. Criteria: Ambry Variant Classification Scheme 2023. Collection method: clinical testing. Allele origin: germline.
Comment: The p.R77T variant (also known as c.230G>C), located in coding exon 2 of the SDHAF2 gene, results from a G to C substitution at nucleotide position 230. The arginine at codon 77 is replaced by threonine, an amino acid with similar properties. This amino acid position is highly conserved in available vertebrate species. In addition, this alteration is predicted to be deleterious by in silico analysis. Since supporting evidence is limited at this time, the clinical significance of this alteration remains unclear.

NM_017841.4(SDHAF2):c.230G>C (p.Arg77Thr)

Gene: SDHAF2 (succinate dehydrogenase complex assembly factor 2; plus strand). Cytogenetic location: 11q12.2.
Variant type: single nucleotide variant.
Coding change: c.230G>C on transcript NM_017841.4 (MANE Select); coding-DNA position 230, G replaced by C.
Protein change: p.Arg77Thr; replaces arginine 77 with threonine.
Molecular consequence: missense variant.
Genome position (GRCh38, 1-based): chr11:61,437,818, G>C. VCF-style: chr11-61437818-G-C. GRCh37 (hg19) VCF-style: chr11-61205290-G-C.
Other names: short protein forms R77T.
Identifiers: ClinVar variation 821071 (VCV000821071.10), dbSNP rs755511528, ClinGen allele CA058024.